The following is an entry in ClinVar:

ClinVar aggregate classification (germline): Uncertain significance (1 of 4 stars; one submission).

Conditions:
Ehlers-Danlos syndrome, classic type, 1 (EDSCL1). Also called: EHLERS-DANLOS SYNDROME, GRAVIS TYPE; EHLERS-DANLOS SYNDROME, SEVERE CLASSIC TYPE; Ehlers-Danlos syndrome, type 1; Ehlers-Danlos Syndrome, Classic Type, COL5A1-Related; EDS I. Identifiers: MedGen C0268335, MONDO:0019567, OMIM 130000.
Osteogenesis imperfecta type I (OI1). Also called: OI, TYPE I; OSTEOGENESIS IMPERFECTA TARDA; OSTEOGENESIS IMPERFECTA WITH BLUE SCLERAE; Osteogenesis imperfecta type 1; Lobstein's Disease; Lobstein disease. Identifiers: Orphanet 216796, Orphanet 666, MedGen C0023931, MONDO:0008146, OMIM 166200. Disease mechanism: loss of function.

Submission:

Labcorp Genetics (formerly Invitae), Labcorp
Classification: Uncertain significance for Osteogenesis imperfecta type I; Ehlers-Danlos syndrome, classic type, 1. Last evaluated: 2025-07-20. Review status: criteria provided, single submitter. Criteria: Invitae Variant Classification Sherloc (09022015). Collection method: clinical testing. Allele origin: germline.
Comment: This sequence change replaces alanine, which is neutral and non-polar, with glycine, which is neutral and non-polar, at codon 765 of the COL1A2 protein (p.Ala765Gly). This variant is not present in population databases (gnomAD no frequency). This variant has not been reported in the literature in individuals affected with COL1A2-related conditions. ClinVar contains an entry for this variant (Variation ID: 3762816). Experimental studies and prediction algorithms are not available or were not evaluated, and the functional significance of this variant is currently unknown. In summary, the available evidence is currently insufficient to determine the role of this variant in disease. Therefore, it has been classified as a Variant of Uncertain Significance.

NM_000089.4(COL1A2):c.2294C>G (p.Ala765Gly)

Gene: COL1A2 (collagen type I alpha 2 chain; plus strand). Cytogenetic location: 7q21.3.
Variant type: single nucleotide variant.
Coding change: c.2294C>G on transcript NM_000089.4 (MANE Select); coding-DNA position 2294, C replaced by G.
Protein change: p.Ala765Gly; replaces alanine 765 with glycine.
Molecular consequence: missense variant.
Genome position (GRCh38, 1-based): chr7:94,420,647, C>G. VCF-style: chr7-94420647-C-G. GRCh37 (hg19) VCF-style: chr7-94049959-C-G.
Other names: short protein forms A765G.
Identifiers: ClinVar variation 3762816 (VCV003762816.2).